The following is an entry in ClinVar:

NC_000017.11:g.(43106534_43115725)_(43115780_43124016)del

Gene: BRCA1 (BRCA1 DNA repair associated; minus strand). Cytogenetic location: 17q21.31.
Variant type: Deletion.
Identifiers: ClinVar variation 981987 (VCV000981987.1).

ClinVar aggregate classification (germline): Pathogenic (1 of 4 stars; one submission).

Conditions:
Hereditary breast ovarian cancer syndrome. Also called: Hereditary breast and ovarian cancer syndrome; Hereditary breast and/or ovarian cancer syndrome; Hereditary breast and ovarian cancer syndrome (HBOC); Hereditary breast and ovarian cancer; Breast and ovarian cancer; BRCA1- and BRCA2-Associated Hereditary Breast and Ovarian Cancer. Identifiers: Orphanet 145, MedGen C0677776, MeSH D061325, MONDO:0003582. Disease mechanism: loss of function.

Submission:

Women's Health and Genetics/Laboratory Corporation of America, LabCorp
Classification: Pathogenic for Hereditary breast and ovarian cancer syndrome. Last evaluated: 2019-05-15. Review status: criteria provided, single submitter. Criteria: LabCorp Variant Classification Summary - May 2015. Collection method: clinical testing. Allele origin: germline.
Comment: Variant summary: The variant identified by MLPA or other technology involves deletion of exon 3 of BRCA1 gene. A presumed nomenclature of c.(80+1_81-1)_(134+1_135-1)del has been designated for the purpose of this classification. Although exact breakpoints of this deletion are not known, it interrupts the reading frame prematurely, whereby Cys27 is replaced by a STOP codon (Bell_2014). The frequency of this variant in the general population could not be determined as the technology used for large population databases (ExAC, gnomAD, ESP, 1000G) cannot detect variants of this type. The variant, c.(80+1_81-1)_(134+1_135-1)del has been reported in the literature in multiple individuals affected with breast cancer or with a strong family history of breast and ovarian cancers or undergoing genetic counseling (Bell_2014, Lecarpentier_2012, Staaf_2008, Woodward_2005, Arai_2018). These data indicate that the variant is very likely to be associated with disease. To our knowledge, no experimental evidence demonstrating an impact on protein function has been reported. One submitter has provided clinical-significance assessments for this variant to ClinVar after 2014 without evidence for independent evaluation and classified the variant as pathogenic. Based on the evidence outlined above, the variant was classified as pathogenic.

Literature cited by the submitters: PubMed 22762150; PubMed 24916180; PubMed 18330910; PubMed 15863663; PubMed 29176636.